The following is an entry in ClinVar:

ClinVar aggregate classification (germline): Uncertain significance. Review status: criteria provided, multiple submitters, no conflicts (2 of 4 stars). 2 submissions from 2 submitters: Uncertain significance (2). Last evaluated 2024-09-17.

Conditions:
Cardioencephalomyopathy, fatal infantile, due to cytochrome c oxidase deficiency 2 (MC4DN6). Also called: MITOCHONDRIAL COMPLEX IV DEFICIENCY, NUCLEAR TYPE 6. Identifiers: Orphanet 1561, MedGen C3554534, MONDO:0014051, OMIM 615119.

Submissions (2):

Institute of Human Genetics, University of Leipzig Medical Center
Classification: Uncertain significance for Cardioencephalomyopathy, fatal infantile, due to cytochrome c oxidase deficiency 2. Last evaluated: 2024-09-17. Review status: criteria provided, single submitter. Criteria: ACMG Guidelines, 2015. Collection method: clinical testing. Allele origin: inherited. Inheritance: Autosomal recessive inheritance. Affected: yes.
Comment: Criteria applied: PM2,PM3_SUP,PP3

Labcorp Genetics (formerly Invitae), Labcorp
Classification: Uncertain significance. Last evaluated: 2022-08-31. Review status: criteria provided, single submitter. Criteria: Invitae Variant Classification Sherloc (09022015). Collection method: clinical testing. Allele origin: germline.
Comment: In summary, the available evidence is currently insufficient to determine the role of this variant in disease. Therefore, it has been classified as a Variant of Uncertain Significance. Algorithms developed to predict the effect of missense changes on protein structure and function are either unavailable or do not agree on the potential impact of this missense change (SIFT: "Not Available"; PolyPhen-2: "Probably Damaging"; Align-GVGD: "Not Available"). ClinVar contains an entry for this variant (Variation ID: 1354045). This variant has not been reported in the literature in individuals affected with COX15-related conditions. This variant is not present in population databases (gnomAD no frequency). This sequence change replaces leucine with valine at codon 227 of the COX15 protein (p.Leu227Val). The leucine residue is highly conserved and there is a small physicochemical difference between leucine and valine.

NM_078470.6(COX15):c.679C>G (p.Leu227Val)

Gene: COX15 (cytochrome c oxidase assembly factor COX15; minus strand). Cytogenetic location: 10q24.2.
Variant type: single nucleotide variant.
Coding change: c.679C>G on transcript NM_078470.6 (MANE Select); coding-DNA position 679, C replaced by G.
Protein change: p.Leu227Val; replaces leucine 227 with valine.
Molecular consequence: missense variant. On other transcripts: non-coding transcript variant (1).
Genome position (GRCh38, 1-based): chr10:99,724,027, G>C on the plus strand (C>G on the coding strand, the complement: COX15 is on the minus strand). VCF-style: chr10-99724027-G-C. GRCh37 (hg19) VCF-style: chr10-101483784-G-C.
Other names: c.679C>G, p.Leu227Val (NM_001320974.2, NM_001320975.2, NM_001372024.1 and 5 more transcripts); c.142C>G, p.Leu48Val (NM_001320976.2); short protein forms L227V, L48V.
Identifiers: ClinVar variation 1354045 (VCV001354045.10), dbSNP rs2133606863, ClinGen allele CA378103578.